The following is an entry in ClinVar:

ClinVar aggregate classification (germline): Uncertain significance (1 of 4 stars; one submission).

Submission:

Labcorp Genetics (formerly Invitae), Labcorp
Classification: Uncertain significance. Last evaluated: 2023-12-11. Review status: criteria provided, single submitter. Criteria: Invitae Variant Classification Sherloc (09022015). Collection method: clinical testing. Allele origin: germline.
Comment: This sequence change replaces arginine, which is basic and polar, with histidine, which is basic and polar, at codon 1006 of the ADAMTS10 protein (p.Arg1006His). This variant is not present in population databases (gnomAD no frequency). This variant has not been reported in the literature in individuals affected with ADAMTS10-related conditions. ClinVar contains an entry for this variant (Variation ID: 1448249). An algorithm developed to predict the effect of missense changes on protein structure and function (PolyPhen-2) suggests that this variant is likely to be tolerated. In summary, the available evidence is currently insufficient to determine the role of this variant in disease. Therefore, it has been classified as a Variant of Uncertain Significance.

NM_030957.4(ADAMTS10):c.3017G>A (p.Arg1006His)

Gene: ADAMTS10 (ADAM metallopeptidase with thrombospondin type 1 motif 10; minus strand). Cytogenetic location: 19p13.2.
Variant type: single nucleotide variant.
Coding change: c.3017G>A on transcript NM_030957.4 (MANE Select); coding-DNA position 3017, G replaced by A.
Protein change: p.Arg1006His; replaces arginine 1006 with histidine.
Molecular consequence: missense variant.
Genome position (GRCh38, 1-based): chr19:8,585,157, C>T on the plus strand (G>A on the coding strand, the complement: ADAMTS10 is on the minus strand). VCF-style: chr19-8585157-C-T. GRCh37 (hg19) VCF-style: chr19-8650041-C-T.
Other names: c.1478G>A, p.Arg493His (NM_001282352.2); short protein forms R1006H, R493H.
Identifiers: ClinVar variation 1448249 (VCV001448249.6), dbSNP rs2042408162, ClinGen allele CA403748471.